The following is an entry in ClinVar:

NM_001385875.1(ZFYVE27):c.1151A>G (p.Lys384Arg)

Gene: ZFYVE27 (zinc finger FYVE-type containing 27; plus strand). Cytogenetic location: 10q24.2.
Variant type: single nucleotide variant.
Coding change: c.1151A>G on transcript NM_001385875.1 (MANE Select); coding-DNA position 1151, A replaced by G.
Protein change: p.Lys384Arg; replaces lysine 384 with arginine.
Molecular consequence: missense variant. On other transcripts: non-coding transcript variant (17).
Genome position (GRCh38, 1-based): chr10:97,757,703, A>G. VCF-style: chr10-97757703-A-G. GRCh37 (hg19) VCF-style: chr10-99517460-A-G.
Other names: c.1166A>G, p.Lys389Arg (NM_001002261.4, NM_001385871.1); c.1130A>G, p.Lys377Arg (NM_001002262.4, NM_001385880.1, NM_001385881.1 and 2 more transcripts); c.1034A>G, p.Lys345Arg (NM_001174119.2, NM_001385889.1); c.872A>G, p.Lys291Arg (NM_001174120.2); c.851A>G, p.Lys284Arg (NM_001174121.2, NM_001385915.1); c.776A>G, p.Lys259Arg (NM_001174122.2); c.1184A>G, p.Lys395Arg (NM_001385876.1); c.1148A>G, p.Lys383Arg (NM_001385877.1); and 14 more; short protein forms K384R, K389R, K259R, K377R, K284R, K291R, K345R, K166R.
Identifiers: ClinVar variation 572587 (VCV000572587.8), dbSNP rs1032496804, ClinGen allele CA212739085.
Genomic context (GRCh38, chr10:97,757,703, plus strand): 5'-GGAGCTGCAGTAATTGTGGAAACAGCTTCTGCTCTCGATGCTGCTCCTTCAAGGTGCCCA[A>G]GTCCTCCATGGGGGCCACAGGTGAGTGGTGCAGGTGGTGGGAGGGCTTGGTTGGTATCCC-3'
Protein context (NP_001372804.1, residues 374-394): CSRCCSFKVP[Lys384Arg]SSMGATAPEA

ClinVar aggregate classification (germline): Uncertain significance (1 of 4 stars; one submission).

Conditions:
Spastic paraplegia. Identifiers: MedGen C0037772, HP:0001258.

Allele frequency attached by ClinVar (database versions not stated): gnomAD 0.00001; TOPMed 0.00001; gnomAD exomes 0.00001.

Submission:

Labcorp Genetics (formerly Invitae), Labcorp
Classification: Uncertain significance for Spastic paraplegia. Last evaluated: 2023-10-03. Review status: criteria provided, single submitter. Criteria: Invitae Variant Classification Sherloc (09022015). Collection method: clinical testing. Allele origin: germline.
Comment: This sequence change replaces lysine, which is basic and polar, with arginine, which is basic and polar, at codon 389 of the ZFYVE27 protein (p.Lys389Arg). This variant is present in population databases (no rsID available, gnomAD 0.004%). This variant has not been reported in the literature in individuals affected with ZFYVE27-related conditions. ClinVar contains an entry for this variant (Variation ID: 572587). Algorithms developed to predict the effect of missense changes on protein structure and function output the following: SIFT: "Not Available"; PolyPhen-2: "Benign"; Align-GVGD: "Not Available". The arginine amino acid residue is found in multiple mammalian species, which suggests that this missense change does not adversely affect protein function. In summary, the available evidence is currently insufficient to determine the role of this variant in disease. Therefore, it has been classified as a Variant of Uncertain Significance.